The following is an entry in ClinVar:

NM_025216.3(WNT10A):c.364A>T (p.Ile122Phe)

Gene: WNT10A (Wnt family member 10A; plus strand). Cytogenetic location: 2q35.
Variant type: single nucleotide variant.
Coding change: c.364A>T on transcript NM_025216.3 (MANE Select); coding-DNA position 364, A replaced by T.
Protein change: p.Ile122Phe; replaces isoleucine 122 with phenylalanine.
Molecular consequence: missense variant.
Genome position (GRCh38, 1-based): chr2:218,882,411, A>T. VCF-style: chr2-218882411-A-T. GRCh37 (hg19) VCF-style: chr2-219747133-A-T.
Other names: short protein forms I122F.
Identifiers: ClinVar variation 897866 (VCV000897866.6), dbSNP rs201929547, ClinGen allele CA2113886.

ClinVar aggregate classification (germline): Uncertain significance. Review status: criteria provided, multiple submitters, no conflicts (2 of 4 stars). 5 submissions from 3 submitters: Uncertain significance (4). 1 of the submissions does not count toward it. Last evaluated 2021-08-12.

Conditions:
Odonto-onycho-dermal dysplasia. Identifiers: Orphanet 2721, MedGen C0796093, MONDO:0009773, OMIM 257980.
Tooth agenesis, selective, 4 (STHAG4). Also called: SUCCEDANEOUS TEETH, AGENESIS OF; TOOTH AGENESIS, SELECTIVE, 4, WITH OR WITHOUT ECTODERMAL DYSPLASIA; LATERAL INCISORS, ABSENCE OF; LATERAL INCISORS, PEGGED OR MISSING. Identifiers: Orphanet 99798, MedGen C1835492, MONDO:0007881, OMIM 150400. Disease mechanism: loss of function.
WNT10A-related disorder. Also called: WNT10A-related condition; WNT10A-related disorders.
Schöpf-Schulz-Passarge syndrome. Also called: ECCRINE TUMORS WITH ECTODERMAL DYSPLASIA; SchC6pf-Schulz-Passarge syndrome; KERATOSIS PALMOPLANTARIS WITH CYSTIC EYELIDS, HYPODONTIA, AND HYPOTRICHOSIS. Identifiers: Orphanet 50944, MedGen C1857069, MONDO:0009145, OMIM 224750.

Allele frequency attached by ClinVar (database versions not stated): TOPMed 0.00002.

Submissions (5):

Labcorp Genetics (formerly Invitae), Labcorp
Classification: Uncertain significance for Tooth agenesis, selective, 4; Odonto-onycho-dermal dysplasia. Last evaluated: 2021-08-12. Review status: criteria provided, single submitter. Criteria: Invitae Variant Classification Sherloc (09022015). Collection method: clinical testing. Allele origin: germline.
Comment: This sequence change replaces isoleucine with phenylalanine at codon 122 of the WNT10A protein (p.Ile122Phe). The isoleucine residue is highly conserved and there is a small physicochemical difference between isoleucine and phenylalanine. This variant is present in population databases (rs201929547, ExAC 0.07%). This missense change has been observed in individual(s) with WNT10A-related conditions (PMID: 31103801). Algorithms developed to predict the effect of missense changes on protein structure and function are either unavailable or do not agree on the potential impact of this missense change (SIFT: "Deleterious"; PolyPhen-2: "Benign"; Align-GVGD: "Class C0"). In summary, the available evidence is currently insufficient to determine the role of this variant in disease. Therefore, it has been classified as a Variant of Uncertain Significance.

Illumina Laboratory Services, Illumina
Classification: Uncertain significance for Schöpf-Schulz-Passarge syndrome. Last evaluated: 2018-01-13. Review status: criteria provided, single submitter. Criteria: ICSL Variant Classification Criteria 13 December 2019. Collection method: clinical testing. Allele origin: germline.

Illumina Laboratory Services, Illumina
Classification: Uncertain significance for Odonto-onycho-dermal dysplasia. Last evaluated: 2018-01-13. Review status: criteria provided, single submitter. Criteria: ICSL Variant Classification Criteria 13 December 2019. Collection method: clinical testing. Allele origin: germline.

Illumina Laboratory Services, Illumina
Classification: Uncertain significance for Tooth agenesis, selective, 4. Last evaluated: 2018-01-13. Review status: criteria provided, single submitter. Criteria: ICSL Variant Classification Criteria 13 December 2019. Collection method: clinical testing. Allele origin: germline.

PreventionGenetics, part of Exact Sciences
Classification: Uncertain significance for WNT10A-related condition. Last evaluated: 2024-09-11. Review status: no assertion criteria provided. Collection method: clinical testing. Allele origin: germline. Not counted in ClinVar's aggregate classification.
Comment: The WNT10A c.364A>T variant is predicted to result in the amino acid substitution p.Ile122Phe. This variant has been reported in the compound heterozygous state in individuals from two different families both with oligodontia (Park et al. 2019. PubMed ID: 31103801). This variant is reported in 0.054% of alleles in individuals of East Asian descent in gnomAD. At this time, the clinical significance of this variant is uncertain due to the absence of conclusive functional and genetic evidence.

Literature cited by the submitters: PubMed 31103801 (cited by Labcorp Genetics (formerly Invitae), Labcorp).